The following is an entry in ClinVar:

ClinVar aggregate classification (germline): Likely benign (0 of 4 stars; one submission).

Conditions:
UCP3-related disorder. Also called: UCP3-related condition.

Submission:

PreventionGenetics, part of Exact Sciences
Classification: Likely benign for UCP3-related condition. Last evaluated: 2024-07-17. Review status: no assertion criteria provided. Collection method: clinical testing. Allele origin: germline.
Comment: This variant is classified as likely benign based on ACMG/AMP sequence variant interpretation guidelines (Richards et al. 2015 PMID: 25741868, with internal and published modifications).

NM_003356.4(UCP3):c.564G>A (p.Arg188=)

Genes: UCP3 (uncoupling protein 3; minus strand), LOC126861261 (MED14-independent group 3 enhancer GRCh37_chr11:73715060-73716259; plus strand). Cytogenetic location: 11q13.4.
Variant type: single nucleotide variant.
Coding change: c.564G>A on transcript NM_003356.4 (MANE Select); coding-DNA position 564, G replaced by A.
Protein change: p.Arg188=; no amino-acid change (arginine 188 retained).
Molecular consequence: synonymous variant.
Genome position (GRCh38, 1-based): chr11:74,004,563, C>T on the plus strand (G>A on the coding strand, the complement: UCP3 is on the minus strand). VCF-style: chr11-74004563-C-T. GRCh37 (hg19) VCF-style: chr11-73715608-C-T.
Other names: c.564G>A, p.Arg188= (NM_022803.3).
Identifiers: ClinVar variation 3346410 (VCV003346410.1).
Genomic context (GRCh38, chr11:74,004,563, plus strand): 5'-CAGCAGCTTCTCCTTGAGGATGTCGTAGGTCACCACCTCAGCACAGTTGACGATAGCATT[C>T]CTCATGATGTTGGGCAAAGTTCCTGTTAGGAAGGCGGTGGGGAGGGATGTGAAATGGGTG-3'
Protein context (NP_003347.1, residues 178-198): LWKGTLPNIM[Arg188=]NAIVNCAEVV